The following is an entry in ClinVar:

NM_005908.4(MANBA):c.807A>G (p.Gln269=)

Gene: MANBA (mannosidase beta; minus strand). Cytogenetic location: 4q24.
Variant type: single nucleotide variant.
Coding change: c.807A>G on transcript NM_005908.4 (MANE Select); coding-DNA position 807, A replaced by G.
Protein change: p.Gln269=; no amino-acid change (glutamine 269 retained).
Molecular consequence: synonymous variant.
Genome position (GRCh38, 1-based): chr4:102,690,638, T>C on the plus strand (A>G on the coding strand, the complement: MANBA is on the minus strand). VCF-style: chr4-102690638-T-C. GRCh37 (hg19) VCF-style: chr4-103611795-T-C.
Identifiers: ClinVar variation 714480 (VCV000714480.7), dbSNP rs151274894, ClinGen allele CA3027100.
Genomic context (GRCh38, chr4:102,690,638, plus strand): 5'-GGAAGTACCATCATTTACCTTGCTAATGTTCACAAATAGCTCAACAATCCTTTTCCCAGG[T>C]TGAAGTTCAATGCTGTATGTCTGTTGTGTTTGCAACTTAGGGATGGCTACGATCACTTGA-3'
Protein context (NP_005899.3, residues 259-279): QTQQTYSIEL[Gln269=]PGKRIVELFV

ClinVar aggregate classification (germline): Likely benign. Review status: criteria provided, multiple submitters, no conflicts (2 of 4 stars). 2 submissions from 2 submitters: Likely benign (2). Last evaluated 2026-01-03.

Conditions:
Beta-D-mannosidosis (MANSB). Also called: LYSOSOMAL BETA-MANNOSIDASE DEFICIENCY; MANNOSIDOSIS, BETA A, LYSOSOMAL; BETA-MANNOSIDASE DEFICIENCY; Beta-Mannosidosis. Identifiers: Orphanet 118, MedGen C4048196, MONDO:0009562, OMIM 248510.
MANBA-related disorder. Also called: MANBA-related condition.

Allele frequency attached by ClinVar (database versions not stated): TOPMed 0.00008; gnomAD 0.00005 and 0.00006; ESP Exome Variant Server 0.00008.
gnomAD v4.1: 245 of 1,612,710 alleles (0.015%); highest among the groups gnomAD compares: Non-Finnish European, 0.02%; no homozygotes.

Submissions (2):

Labcorp Genetics (formerly Invitae), Labcorp
Classification: Likely benign for Beta-D-mannosidosis. Last evaluated: 2026-01-03. Review status: criteria provided, single submitter. Criteria: Invitae Variant Classification Sherloc (09022015). Collection method: clinical testing. Allele origin: germline.

PreventionGenetics, part of Exact Sciences
Classification: Likely benign for MANBA-related condition. Last evaluated: 2025-05-08. Review status: criteria provided, single submitter. Criteria: ACMG Guidelines, 2015. Collection method: clinical testing. Allele origin: germline.
Comment: This variant is classified as likely benign based on ACMG/AMP sequence variant interpretation guidelines (Richards et al. 2015 PMID: 25741868, with internal and published modifications).